The following is an entry in ClinVar:

NM_005120.3(MED12):c.1277A>C (p.Gln426Pro)

Gene: MED12 (mediator complex subunit 12; plus strand). Cytogenetic location: Xq13.1.
Variant type: single nucleotide variant.
Coding change: c.1277A>C on transcript NM_005120.3 (MANE Select); coding-DNA position 1277, A replaced by C.
Protein change: p.Gln426Pro; replaces glutamine 426 with proline.
Molecular consequence: missense variant.
Genome position (GRCh38, 1-based): chrX:71,122,536, A>C. VCF-style: chrX-71122536-A-C. GRCh37 (hg19) VCF-style: chrX-70342386-A-C.
Other names: short protein forms Q426P.
Identifiers: ClinVar variation 2745579 (VCV002745579.3), dbSNP rs777865279, ClinGen allele CA413505913.

ClinVar aggregate classification (germline): Uncertain significance (1 of 4 stars; one submission).

Conditions:
FG syndrome (FGS). Identifiers: MedGen C0220769, MONDO:0002010.

Submission:

Labcorp Genetics (formerly Invitae), Labcorp
Classification: Uncertain significance for FG syndrome. Last evaluated: 2023-07-20. Review status: criteria provided, single submitter. Criteria: Invitae Variant Classification Sherloc (09022015). Collection method: clinical testing. Allele origin: germline.
Comment: In summary, the available evidence is currently insufficient to determine the role of this variant in disease. Therefore, it has been classified as a Variant of Uncertain Significance. Advanced modeling of protein sequence and biophysical properties (such as structural, functional, and spatial information, amino acid conservation, physicochemical variation, residue mobility, and thermodynamic stability) performed at Invitae indicates that this missense variant is not expected to disrupt MED12 protein function. This variant has not been reported in the literature in individuals affected with MED12-related conditions. This variant is not present in population databases (gnomAD no frequency). This sequence change replaces glutamine, which is neutral and polar, with proline, which is neutral and non-polar, at codon 426 of the MED12 protein (p.Gln426Pro).